The following is an entry in ClinVar:

ClinVar aggregate classification (germline): Likely benign. Review status: criteria provided, multiple submitters, no conflicts (2 of 4 stars). 2 submissions from 2 submitters: Likely benign (2). Last evaluated 2022-07-01.

Conditions:
Baraitser-Winter syndrome 1 (BRWS1). Also called: BARAITSER-WINTER SYNDROME 1, ATYPICAL; PACHYGYRIA, MENTAL RETARDATION, EPILEPSY, AND CHARACTERISTIC FACIES; MENTAL RETARDATION WITH EPILEPSY AND CHARACTERISTIC FACIES; Cerebrofrontofacial syndrome. Identifiers: Orphanet 2649, Orphanet 2995, MedGen C1855722, MONDO:0009470, OMIM 243310.

Submissions (2):

Labcorp Genetics (formerly Invitae), Labcorp
Classification: Likely benign for Baraitser-Winter syndrome 1. Last evaluated: 2022-07-01. Review status: criteria provided, single submitter. Criteria: Invitae Variant Classification Sherloc (09022015). Collection method: clinical testing. Allele origin: germline.

CeGaT Center for Human Genetics Tuebingen
Classification: Likely benign. Last evaluated: 2022-06-01. Review status: criteria provided, single submitter. Criteria: CeGaT Center For Human Genetics Tuebingen Variant Classification Criteria Version 2. Collection method: clinical testing. Allele origin: germline. Affected: yes. Observed: 1 variant allele.
Comment: ACTB: BP4

NM_001101.5(ACTB):c.364-4_364-3insAA

Gene: ACTB (actin beta; minus strand). Cytogenetic location: 7p22.1.
Variant type: Insertion.
Coding change: c.364-4_364-3insAA on transcript NM_001101.5 (MANE Select); 4 bases into the intron before coding-DNA position 364 through 3 bases into the intron before coding-DNA position 364, AA inserted.
Molecular consequence: intron variant.
Genome position: GRCh38 VCF-style: chr7-5528722-G-GTT. GRCh37 (hg19) VCF-style: chr7-5568353-G-GTT.
Identifiers: ClinVar variation 1695183 (VCV001695183.36), dbSNP rs751359436, ClinGen allele CA4147006.